The following is an entry in ClinVar:

NM_001267550.2(TTN):c.70435C>T (p.Arg23479Trp)

Genes: TTN-AS1 (TTN antisense RNA 1; plus strand), TTN (titin; minus strand), LOC126806422 (BRD4-independent group 4 enhancer GRCh37_chr2:179440205-179441404; plus strand). Cytogenetic location: 2q31.2.
Variant type: single nucleotide variant.
Coding change: c.70435C>T on transcript NM_001267550.2 (MANE Select); coding-DNA position 70435, C replaced by T.
Protein change: p.Arg23479Trp; replaces arginine 23479 with tryptophan.
Molecular consequence: missense variant.
Genome position (GRCh38, 1-based): chr2:178,575,697, G>A on the plus strand (C>T on the coding strand, the complement: TTN is on the minus strand). VCF-style: chr2-178575697-G-A. GRCh37 (hg19) VCF-style: chr2-179440424-G-A.
Other names: c.65512C>T, p.Arg21838Trp (NM_001256850.1); c.43240C>T, p.Arg14414Trp (NM_003319.4); c.62731C>T, p.Arg20911Trp (NM_133378.4); c.43615C>T, p.Arg14539Trp (NM_133432.3); c.43816C>T, p.Arg14606Trp (NM_133437.4); short protein forms R23479W, R20911W, R21838W, R14539W, R14606W, R14414W.
Identifiers: ClinVar variation 196058 (VCV000196058.12), dbSNP rs760509116, ClinGen allele CA242813.

ClinVar aggregate classification (germline): Conflicting classifications of pathogenicity. Review status: criteria provided, conflicting classifications (1 of 4 stars). 4 submissions from 4 submitters: Uncertain significance (3); Likely benign (1). Last evaluated 2019-09-16.

Conditions:
Cardiovascular phenotype. Identifiers: MedGen CN230736.
Dilated cardiomyopathy 1G (CMD1G). Identifiers: Orphanet 154, MedGen C1858763, MONDO:0011400, OMIM 604145.
Autosomal recessive limb-girdle muscular dystrophy type 2J (LGMDR10). Also called: MUSCULAR DYSTROPHY, LIMB-GIRDLE, AUTOSOMAL RECESSIVE 10; Limb-girdle muscular dystrophy, type 2J. Identifiers: Orphanet 140922, MedGen C1837342, MONDO:0012127, OMIM 608807.

Allele frequency attached by ClinVar (database versions not stated): gnomAD 0.00002 and 0.00003; gnomAD exomes 0.00003 and 0.00006; TOPMed 0.00004; ExAC 0.00007; 1000 Genomes Project 30x 0.00016.
gnomAD v4.1: 50 of 1,613,508 alleles (0.0031%); highest among the groups gnomAD compares: Admixed American, 0.032%; no homozygotes.

Submissions (4):

GeneDx
Classification: Likely benign. Last evaluated: 2019-09-16. Review status: criteria provided, single submitter. Criteria: GeneDx Variant Classification Process June 2021. Collection method: clinical testing. Allele origin: germline. Affected: yes.
Comment: This variant is associated with the following publications: (PMID: 26272908)

Ambry Genetics
Classification: Uncertain significance for Cardiovascular phenotype. Last evaluated: 2019-03-14. Review status: criteria provided, single submitter. Criteria: Ambry Variant Classification Scheme 2023. Collection method: clinical testing. Allele origin: germline.
Comment: The p.R14414W variant (also known as c.43240C>T), located in coding exon 153 of the TTN gene, results from a C to T substitution at nucleotide position 43240. The arginine at codon 14414 is replaced by tryptophan, an amino acid with dissimilar properties. This variant (reported as p.R21838W, c.65512C>T) co-occurred with additional variants in cardiac-related genes in a sudden unexplained death case (Santori M et al. Arch. Dis. Child., 2015 Oct;100:952-6). This amino acid position is well conserved in available vertebrate species. In addition, this alteration is predicted to be tolerated by in silico analysis. Since supporting evidence is limited at this time, the clinical significance of this alteration remains unclear.

Labcorp Genetics (formerly Invitae), Labcorp
Classification: Uncertain significance for Dilated cardiomyopathy 1G; Autosomal recessive limb-girdle muscular dystrophy type 2J. Last evaluated: 2016-11-24. Review status: criteria provided, single submitter. Criteria: Invitae Variant Classification Sherloc (09022015). Collection method: clinical testing. Allele origin: germline.

Eurofins Ntd Llc (ga)
Classification: Uncertain significance. Last evaluated: 2014-09-08. Review status: criteria provided, single submitter. Criteria: EGL Classification Definitions 2015. Collection method: clinical testing. Allele origin: germline. Observed: 1 variant allele, 1 heterozygote.

Literature cited by the submitters: PubMed 26272908 (cited by Ambry Genetics).